The following is an entry in ClinVar:

NM_001378615.1(CC2D2A):c.4649T>C (p.Leu1550Pro)

Genes: CC2D2A (coiled-coil and C2 domain containing 2A; plus strand), FBXL5 (F-box and leucine rich repeat protein 5; minus strand). Cytogenetic location: 4p15.32.
Variant type: single nucleotide variant.
Coding change: c.4649T>C on transcript NM_001378615.1 (MANE Select); coding-DNA position 4649, T replaced by C.
Protein change: p.Leu1550Pro; replaces leucine 1550 with proline.
Molecular consequence: missense variant.
Genome position (GRCh38, 1-based): chr4:15,599,681, T>C. VCF-style: chr4-15599681-T-C. GRCh37 (hg19) VCF-style: chr4-15601304-T-C.
Other names: c.4649T>C, p.Leu1550Pro (NM_001080522.2); c.4502T>C, p.Leu1501Pro (NM_001378617.1); short protein forms L1501P, L1550P.
Identifiers: ClinVar variation 3754178 (VCV003754178.2).

ClinVar aggregate classification (germline): Pathogenic (1 of 4 stars; one submission).

Conditions:
Joubert syndrome. Also called: JOUBERT-BOLTSHAUSER SYNDROME; Familial aplasia of the vermis. Identifiers: Orphanet 475, MedGen C5979921, MONDO:0018772.
Meckel-Gruber syndrome. Also called: DYSENCEPHALIA SPLANCHNOCYSTICA; GRUBER SYNDROME; Dysencephalia splachnocystica. Identifiers: Orphanet 564, MedGen C0265215, MONDO:0018921.

Submission:

Labcorp Genetics (formerly Invitae), Labcorp
Classification: Pathogenic for Joubert syndrome; Meckel-Gruber syndrome. Last evaluated: 2024-12-06. Review status: criteria provided, single submitter. Criteria: Invitae Variant Classification Sherloc (09022015). Collection method: clinical testing. Allele origin: germline.
Comment: This sequence change replaces leucine, which is neutral and non-polar, with proline, which is neutral and non-polar, at codon 1550 of the CC2D2A protein (p.Leu1550Pro). This variant is not present in population databases (gnomAD no frequency). This missense change has been observed in individual(s) with Joubert syndrome (external communication, internal data). In at least one individual the data is consistent with being in trans (on the opposite chromosome) from a pathogenic variant. Invitae Evidence Modeling of protein sequence and biophysical properties (such as structural, functional, and spatial information, amino acid conservation, physicochemical variation, residue mobility, and thermodynamic stability) indicates that this missense variant is expected to disrupt CC2D2A protein function with a positive predictive value of 95%. For these reasons, this variant has been classified as Pathogenic.